The following is an entry in ClinVar:

NM_000169.3(GLA):c.877C>T (p.Pro293Ser)

Genes: GLA (galactosidase alpha; minus strand), RPL36A-HNRNPH2 (RPL36A-HNRNPH2 readthrough; plus strand). Cytogenetic location: Xq22.1.
Variant type: single nucleotide variant.
Coding change: c.877C>T on transcript NM_000169.3 (MANE Select); coding-DNA position 877, C replaced by T.
Protein change: p.Pro293Ser; replaces proline 293 with serine.
Molecular consequence: missense variant. On other transcripts: non-coding transcript variant (3), intron variant (2).
Genome position (GRCh38, 1-based): chrX:101,398,492, G>A on the plus strand (C>T on the coding strand, the complement: GLA is on the minus strand). VCF-style: chrX-101398492-G-A. GRCh37 (hg19) VCF-style: chrX-100653480-G-A.
Other names: c.1000C>T, p.Pro334Ser (NM_001406747.1); c.877C>T, p.Pro293Ser (NM_001406748.1); c.300+3035G>A (NM_001199973.2); c.177+6670G>A (NM_001199974.2); short protein forms P293S, P334S.
Identifiers: ClinVar variation 2440481 (VCV002440481.5), dbSNP rs869312440, ClinGen allele CA352956.

ClinVar aggregate classification (germline): Likely pathogenic. Review status: criteria provided, multiple submitters, no conflicts (2 of 4 stars). 2 submissions from 2 submitters: Likely pathogenic (2). Last evaluated 2026-09-08.

Conditions:
Fabry disease. Also called: Ceramide trihexosidosis; Fabry's disease; ALPHA-GALACTOSIDASE A DEFICIENCY; ANDERSON-FABRY DISEASE; CERAMIDE TRIHEXOSIDASE DEFICIENCY; GLA DEFICIENCY. Identifiers: Orphanet 324, MedGen C0002986, MONDO:0010526, OMIM 301500, HP:0001071. Disease mechanism: Fabry disease is due to inactivating mutations in the X-linked GLA gene resulting in deficiency of the enzyme Alpha Galactosidase-A., loss of function.

Submissions (2):

Genomenon, Inc
Classification: Likely pathogenic for Fabry disease. Last evaluated: 2026-09-08. Review status: criteria provided, single submitter. Criteria: Genomenon Sequence Variant Interpretation Standards - Updated. Collection method: curation. Allele origin: germline. Affected: yes.
Comment: GLA p.Pro293Ser (c.877C>T) is a missense variant that changes the amino acid at codon 293 from Proline to Serine. This variant has been observed in at least one proband with clinical features consistent with Fabry disease (PMID:28736719;32397962;31871893;31996269). At least one functional study has demonstrated a substantial alteration in protein function relative to the wild-type (PMID:27657681). It is absent or not present at a significant frequency in gnomAD. In silico models predict that this variant is possibly or probably damaging. In conclusion, we classify GLA p.Pro293Ser (c.877C>T) as a likely pathogenic variant.

Revvity Omics, Revvity
Classification: Likely pathogenic. Last evaluated: 2025-07-22. Review status: criteria provided, single submitter. Criteria: ACMG Guidelines, 2015. Collection method: clinical testing. Allele origin: germline.

Literature cited by the submitters: PubMed 28736719 (cited by Genomenon, Inc); PubMed 32397962 (cited by Genomenon, Inc); PubMed 31871893 (cited by Genomenon, Inc); PubMed 31996269 (cited by Genomenon, Inc); PubMed 27657681 (cited by Genomenon, Inc).